The following is an entry in ClinVar:

NM_001673.5(ASNS):c.1187_1190dup (p.Tyr398fs)

Genes: ASNS (asparagine synthetase (glutamine-hydrolyzing); minus strand), CZ1P-ASNS (CZ1P-ASNS readthrough; minus strand). Cytogenetic location: 7q21.3.
Variant type: Duplication.
Coding change: c.1187_1190dup on transcript NM_001673.5 (MANE Select); coding-DNA positions 1187 to 1190, 4 bases duplicated (AACT; older notation c.1187_1190dupAACT).
Protein change: p.Tyr398fs; shifts the reading frame from tyrosine 398.
Molecular consequence: frameshift variant. On other transcripts: non-coding transcript variant (1).
Genome position (GRCh38, 1-based): chr7:97,854,628-97,854,631, AGTT duplicated on the plus strand (AACT on the coding strand, the reverse complement: ASNS is on the minus strand). VCF-style (leftmost placement, unchanged base first): chr7-97854627-G-GAGTT. GRCh37 (hg19) VCF-style: chr7-97483939-G-GAGTT.
Other names: c.1124_1127dup, p.Tyr377fs (NM_001178075.2); c.938_941dup, p.Tyr315fs (NM_001178076.2, NM_001178077.1); c.1187_1190dup, p.Tyr398fs (NM_001352496.2, NM_133436.3, NM_183356.4); short protein forms Y377fs, Y398fs, Y315fs.
Identifiers: ClinVar variation 2835059 (VCV002835059.4), dbSNP rs2484636781, ClinGen allele CA2683843035.
Genomic context (GRCh38, chr7:97,854,627, plus strand): 5'-CTAAAAATATTACCCATGGGCAGCAGTAGTTCGATCTGCGCGGAGAACATCAAACAAATA[G>GAGTT]AGTTCCCTCAGAAGCCTCTCACTCTCCTCCTCGGCTTTTTCAGGAGAAGGAGCCTATTTC-3'

ClinVar aggregate classification (germline): Pathogenic/Likely pathogenic. Review status: criteria provided, multiple submitters, no conflicts (2 of 4 stars). 2 submissions from 2 submitters: Pathogenic (1); Likely pathogenic (1). Last evaluated 2024-10-31.

Conditions:
Congenital microcephaly - severe encephalopathy - progressive cerebral atrophy syndrome. Also called: ASNS DEFICIENCY; Asparagine synthetase deficiency. Identifiers: Orphanet 391376, MedGen C3809971, MONDO:0014258, OMIM 615574.

Allele frequency attached by ClinVar (database versions not stated): gnomAD exomes below 0.00001.

Submissions (2):

Natera, Inc.
Classification: Likely pathogenic for Asparagine synthetase deficiency. Last evaluated: 2024-10-31. Review status: criteria provided, single submitter. Criteria: Natera Variant Classification Schema (03/2026). Collection method: clinical testing. Allele origin: germline.
Comment: The c.1187_1190dup variant in ASNS is a frameshift variant predicted to shift the reading frame beginning at codon 398 and leads to a stop codon 5 codons downstream. This variant is expected to result in nonsense mediated decay, truncation, or a dysfunctional protein product. This variant is rare in the general population with a frequency below the threshold expected for the associated phenotype(s). Given the available evidence, this variant is classified as Likely Pathogenic.

Labcorp Genetics (formerly Invitae), Labcorp
Classification: Pathogenic. Last evaluated: 2023-06-28. Review status: criteria provided, single submitter. Criteria: Invitae Variant Classification Sherloc (09022015). Collection method: clinical testing. Allele origin: germline.
Comment: For these reasons, this variant has been classified as Pathogenic. Algorithms developed to predict the effect of sequence changes on RNA splicing suggest that this variant may disrupt the consensus splice site. This variant has not been reported in the literature in individuals affected with ASNS-related conditions. This variant is not present in population databases (gnomAD no frequency). This sequence change creates a premature translational stop signal (p.Tyr398Thrfs*5) in the ASNS gene. It is expected to result in an absent or disrupted protein product. Loss-of-function variants in ASNS are known to be pathogenic (PMID: 27422383, 30057589).

Literature cited by the submitters: PubMed 27422383 (cited by Labcorp Genetics (formerly Invitae), Labcorp); PubMed 30057589 (cited by Labcorp Genetics (formerly Invitae), Labcorp).